The following is an entry in ClinVar:

NM_001080442.3(SLC38A8):c.389-1G>A

Gene: SLC38A8 (solute carrier family 38 member 8; minus strand). Cytogenetic location: 16q23.3.
Variant type: single nucleotide variant.
Coding change: c.389-1G>A on transcript NM_001080442.3 (MANE Select); the canonical splice acceptor site of the intron before coding-DNA position 389, G replaced by A.
Molecular consequence: splice acceptor variant.
Genome position (GRCh38, 1-based): chr16:84,033,470, C>T on the plus strand (G>A on the coding strand, the complement: SLC38A8 is on the minus strand). VCF-style: chr16-84033470-C-T. GRCh37 (hg19) VCF-style: chr16-84067075-C-T.
Identifiers: ClinVar variation 2857300 (VCV002857300.3), dbSNP rs1306823741, ClinGen allele CA396940120.

ClinVar aggregate classification (germline): Likely pathogenic (1 of 4 stars; one submission).

gnomAD v4.1: 1 of 1,596,896 alleles (0.000063%); highest among the groups gnomAD compares: Non-Finnish European, 0.000085%; no homozygotes.

Submission:

Labcorp Genetics (formerly Invitae), Labcorp
Classification: Likely pathogenic. Last evaluated: 2023-09-11. Review status: criteria provided, single submitter. Criteria: Invitae Variant Classification Sherloc (09022015). Collection method: clinical testing. Allele origin: germline.
Comment: Algorithms developed to predict the effect of sequence changes on RNA splicing suggest that this variant may disrupt the consensus splice site. In summary, the currently available evidence indicates that the variant is pathogenic, but additional data are needed to prove that conclusively. Therefore, this variant has been classified as Likely Pathogenic. This variant has not been reported in the literature in individuals affected with SLC38A8-related conditions. This sequence change affects an acceptor splice site in intron 2 of the SLC38A8 gene. It is expected to disrupt RNA splicing. Variants that disrupt the donor or acceptor splice site typically lead to a loss of protein function (PMID: 16199547), and loss-of-function variants in SLC38A8 are known to be pathogenic (PMID: 24290379). This variant is not present in population databases (gnomAD no frequency).

Literature cited by the submitters: PubMed 16199547; PubMed 24290379.